The following is an entry in ClinVar:

NM_001366900.1(TTC21A):c.395A>G (p.Tyr132Cys)

Gene: TTC21A (tetratricopeptide repeat domain 21A; plus strand). Cytogenetic location: 3p22.2.
Variant type: single nucleotide variant.
Coding change: c.395A>G on transcript NM_001366900.1 (MANE Select); coding-DNA position 395, A replaced by G.
Protein change: p.Tyr132Cys; replaces tyrosine 132 with cysteine.
Molecular consequence: missense variant. On other transcripts: non-coding transcript variant (3).
Genome position (GRCh38, 1-based): chr3:39,110,977, A>G. VCF-style: chr3-39110977-A-G. GRCh37 (hg19) VCF-style: chr3-39152468-A-G.
Other names: c.395A>G, p.Tyr132Cys (NM_001105513.3, NM_001366899.1, NM_145755.3); c.395A>G (NM_145755.2); short protein forms Y132C.
Identifiers: ClinVar variation 3250854 (VCV003250854.18), dbSNP rs969103018.

ClinVar aggregate classification (germline): Uncertain significance. Review status: criteria provided, multiple submitters, no conflicts (2 of 4 stars). 2 submissions from 2 submitters: Uncertain significance (2). Last evaluated 2025-10-02.

Allele frequency attached by ClinVar (database versions not stated): gnomAD 0.00001; TOPMed 0.00003; gnomAD exomes 0.00005.

Submissions (2):

Ambry Genetics
Classification: Uncertain significance. Last evaluated: 2025-10-02. Review status: criteria provided, single submitter. Criteria: Ambry Variant Classification Scheme 2023. Collection method: clinical testing. Allele origin: germline.

CeGaT Center for Human Genetics Tuebingen
Classification: Uncertain significance. Last evaluated: 2024-06-01. Review status: criteria provided, single submitter. Criteria: CeGaT Center For Human Genetics Tuebingen Variant Classification Criteria Version 2. Collection method: clinical testing. Allele origin: germline. Affected: yes. Observed: 1 variant allele.
Comment: TTC21A: PM2